The following is an entry in ClinVar:

ClinVar aggregate classification (germline): Pathogenic (1 of 4 stars; one submission).

Conditions:
Heterotopia, periventricular, X-linked dominant (PVNH1). Also called: PERIVENTRICULAR NODULAR HETEROTOPIA 1; X-linked periventricular heterotopia; PERIVENTRICULAR NODULAR HETEROTOPIA 4; HETEROTOPIA, PERIVENTRICULAR, 1. Identifiers: Orphanet 2149, Orphanet 82004, MedGen C1848213, MONDO:0010233, OMIM 300049.
Oto-palato-digital syndrome, type II (OPD2). Also called: OPD II SYNDROME; FACIOPALATOOSSEOUS SYNDROME; Otopalatodigital Syndrome, Type II; Otopalatodigital Syndrome Type 2 (FLNA-OPD2). Identifiers: Orphanet 669, Orphanet 90652, MedGen C1844696, MONDO:0010571, OMIM 304120.
Melnick-Needles syndrome (MNS). Also called: MELNICK-NEEDLES OSTEODYSPLASTY; OSTEODYSPLASTY OF MELNICK AND NEEDLES; Melnick-Needles Syndrome (FLNA-MNS). Identifiers: Orphanet 2484, MedGen C0025237, MONDO:0010650, OMIM 309350.
Frontometaphyseal dysplasia (FMD1). Identifiers: Orphanet 1826, MedGen C0265293, MONDO:0015942.

Submission:

Labcorp Genetics (formerly Invitae), Labcorp
Classification: Pathogenic for Oto-palato-digital syndrome, type II; Heterotopia, periventricular, X-linked dominant; Frontometaphyseal dysplasia; Melnick-Needles syndrome. Last evaluated: 2018-03-18. Review status: criteria provided, single submitter. Criteria: Invitae Variant Classification Sherloc (09022015). Collection method: clinical testing. Allele origin: germline.
Comment: This variant is not present in population databases (ExAC no frequency). This sequence change creates a premature translational stop signal (p.Gln193*) in the FLNA gene. It is expected to result in an absent or disrupted protein product. This variant has not been reported in the literature in individuals with FLNA-related disease. For these reasons, this variant has been classified as Pathogenic. Loss-of-function variants in FLNA are known to be pathogenic (PMID: 16684786, 20730588, 26471271).

Literature cited by the submitters: PubMed 16684786; PubMed 20730588; PubMed 26471271.

NM_001110556.2(FLNA):c.577C>T (p.Gln193Ter)

Gene: FLNA (filamin A; minus strand). Cytogenetic location: Xq28.
Variant type: single nucleotide variant.
Coding change: c.577C>T on transcript NM_001110556.2 (MANE Select); coding-DNA position 577, C replaced by T.
Protein change: p.Gln193Ter; replaces glutamine 193 with a stop codon.
Molecular consequence: nonsense.
Genome position (GRCh38, 1-based): chrX:154,367,887, G>A on the plus strand (C>T on the coding strand, the complement: FLNA is on the minus strand). VCF-style: chrX-154367887-G-A. GRCh37 (hg19) VCF-style: chrX-153596255-G-A.
Other names: c.577C>T, p.Gln193Ter (NM_001456.4); short protein forms Q193*.
Identifiers: ClinVar variation 1072111 (VCV001072111.7), dbSNP rs2148119354, ClinGen allele CA415249180.